The following is an entry in ClinVar:

ClinVar aggregate classification (germline): Conflicting classifications of pathogenicity. Review status: criteria provided, conflicting classifications (1 of 4 stars). 5 submissions from 5 submitters: Likely pathogenic (2); Uncertain significance (3). Last evaluated 2025-12-24.

Conditions:
Cardiomyopathy (CMYO). Also called: Cardiomyopathies. Identifiers: Orphanet 167848, MedGen C0878544, MONDO:0004994, HP:0001638. Inheritance: Various modes of inheritance.
Hypertrophic cardiomyopathy. Also called: HYPERTROPHIC MYOCARDIOPATHY. Identifiers: Orphanet 217569, MedGen C0007194, MeSH D002312, MONDO:0005045, HP:0001639.

gnomAD v4.1: 4 of 1,614,198 alleles (0.00025%); highest among the groups gnomAD compares: Non-Finnish European, 0.00034%; no homozygotes.

Submissions (5):

Labcorp Genetics (formerly Invitae), Labcorp
Classification: Likely pathogenic for Hypertrophic cardiomyopathy. Last evaluated: 2025-12-24. Review status: criteria provided, single submitter. Criteria: Invitae Variant Classification Sherloc (09022015). Collection method: clinical testing. Allele origin: germline.
Comment: This sequence change replaces arginine, which is basic and polar, with glycine, which is neutral and non-polar, at codon 858 of the MYH7 protein (p.Arg858Gly). This variant is not present in population databases (gnomAD no frequency). This missense change has been observed in individual(s) with hypertrophic cardiomyopathy (PMID: 23549607, 27247418, 27532257, 37652022). ClinVar contains an entry for this variant (Variation ID: 164325). Invitae Evidence Modeling of protein sequence and biophysical properties (such as structural, functional, and spatial information, amino acid conservation, physicochemical variation, residue mobility, and thermodynamic stability) indicates that this missense variant is expected to disrupt MYH7 protein function with a positive predictive value of 95%. This variant disrupts the p.Arg858 amino acid residue in MYH7. Other variant(s) that disrupt this residue have been determined to be pathogenic (PMID: 15358028, 24093860, 28498465). This suggests that this residue is clinically significant, and that variants that disrupt this residue are likely to be disease-causing. In summary, the currently available evidence indicates that the variant is pathogenic, but additional data are needed to prove that conclusively. Therefore, this variant has been classified as Likely Pathogenic.

GeneDx
Classification: Likely pathogenic. Last evaluated: 2025-03-04. Review status: criteria provided, single submitter. Criteria: GeneDx Variant Classification Process June 2021. Collection method: clinical testing. Allele origin: germline. Affected: yes.
Comment: Reported in association with hypertrophic cardiomyopathy (HCM), including patients with sub-clinical HCM (PMID: 23690394, 25228707, 27247418, 27532257, 37652022); Not observed at significant frequency in large population cohorts (gnomAD); In silico analysis supports that this missense variant has a deleterious effect on protein structure/function; This variant is associated with the following publications: (PMID: 27247418, 27532257, 23403236, 23690394, 23549607, 25228707, 37652022, 29300372, 15358028, 15563892)

All of Us Research Program, National Institutes of Health
Classification: Uncertain significance for Cardiomyopathy. Last evaluated: 2024-01-11. Review status: criteria provided, single submitter. Criteria: ACMG Guidelines, 2015. Collection method: clinical testing. Allele origin: germline. Inheritance: Autosomal dominant inheritance. Observed: 1 variant allele, 1 heterozygote.
Comment: This study involves interpretation of variants in research participants for the purpose of population health screening. Participant phenotype was not available at the time of variant classification. Additional details can be found in publication PMID: 35346344, PMCID: PMC8962531

Laboratory for Molecular Medicine, Mass General Brigham Personalized Medicine
Classification: Uncertain significance. Last evaluated: 2021-02-02. Review status: criteria provided, single submitter. Criteria: LMM Criteria. Collection method: clinical testing. Allele origin: germline. Inheritance: Autosomal dominant inheritance. Observed: 4 variant alleles.
Comment: Variant classified as Uncertain Significance - Favor Pathogenic. The p.Arg858Gly variant in MYH7 has been reported in at least 2 individuals with hypertrophic cardiomyopathy (Walsh 2017 PMID: 27532257, LMM data), but was absent from large population studies. This variant lies in the head region of the protein and missense variants in this region are statistically more likely to be disease-associated (Walsh 2017 PMID: 27532257). In addition, several other changes at this position have been identified in individuals with HCM, at least one of which (p.Arg858Cys) meets criteria to be classified as pathogenic. Although this information suggests that changes to this position may not be tolerated, computational prediction tools do not provide strong support for an impact of the p.Arg858Gly variant on the protein. In summary, while there is suspicion for a pathogenic role, the clinical significance of this variant is uncertain due to limited available proband data. ACMG/AMP Criteria applied: PM1, PM5, PM2_Supporting, PS4_Supporting.

Women's Health and Genetics/Laboratory Corporation of America, LabCorp
Classification: Uncertain significance. Last evaluated: 2016-03-09. Review status: criteria provided, single submitter. Criteria: LabCorp Variant Classification Summary - May 2015. Collection method: clinical testing. Allele origin: germline.
Comment: Variant summary: Variant affects a non-conserved nucleotide and results in a replacement of a large size and basic Arginine (R) with a small size and hydrophobic Glycine (G). 3/5 in silico tools predict the variant to be neutral. It is absent from the large and broad cohorts of the ExAC project. Studies assessing the effect of the variant on protein function were not published at the time of scoring. Variants affecting the same codon, c.2572C>T p.R858C (DM); c.2572C>G p.R858C, c.2572C>A p.R858S (DM); c.2573G>A p.R858H (DM), c.2573G>A p.R858H (DM) are listed in HGMD as Disease Mutation indicating the variant to be located in a mutational hotspot and and suggesting a particular functional importance of residue 858. A clinical diagnostic laboratory classified variant as Uncertain via ClinVar. Considering all, because of the absence of clinical information and the lack of functional studies, the variant was classified as a variant of uncertain significance until more information becomes available.

Literature cited by the submitters: PubMed 23549607 (cited by 3 submitters); PubMed 27247418 (cited by Labcorp Genetics (formerly Invitae), Labcorp and Laboratory for Molecular Medicine, Mass General Brigham Personalized Medicine); PubMed 27532257 (cited by Labcorp Genetics (formerly Invitae), Labcorp and Laboratory for Molecular Medicine, Mass General Brigham Personalized Medicine); PubMed 37652022 (cited by Labcorp Genetics (formerly Invitae), Labcorp); PubMed 15358028 (cited by Labcorp Genetics (formerly Invitae), Labcorp); PubMed 24093860 (cited by Labcorp Genetics (formerly Invitae), Labcorp); PubMed 28498465 (cited by Labcorp Genetics (formerly Invitae), Labcorp); PubMed 23690394 (cited by Laboratory for Molecular Medicine, Mass General Brigham Personalized Medicine and Women's Health and Genetics/Laboratory Corporation of America, LabCorp); PubMed 25228707 (cited by Laboratory for Molecular Medicine, Mass General Brigham Personalized Medicine); PubMed 23403236 (cited by Women's Health and Genetics/Laboratory Corporation of America, LabCorp).

NM_000257.4(MYH7):c.2572C>G (p.Arg858Gly)

Genes: MYH7 (myosin heavy chain 7; minus strand), LOC126861898 (BRD4-independent group 4 enhancer GRCh37_chr14:23893609-23894808; plus strand). Cytogenetic location: 14q11.2.
Variant type: single nucleotide variant.
Coding change: c.2572C>G on transcript NM_000257.4 (MANE Select); coding-DNA position 2572, C replaced by G.
Protein change: p.Arg858Gly; replaces arginine 858 with glycine.
Molecular consequence: missense variant.
Genome position (GRCh38, 1-based): chr14:23,424,876, G>C on the plus strand (C>G on the coding strand, the complement: MYH7 is on the minus strand). VCF-style: chr14-23424876-G-C. GRCh37 (hg19) VCF-style: chr14-23894085-G-C.
Other names: short protein forms R858G.
Identifiers: ClinVar variation 164325 (VCV000164325.18), dbSNP rs2754158, ClinGen allele CA012648.
Genomic context (GRCh38, chr14:23,424,876, plus strand): 5'-CCATCTTCTCCTCCAGCTCCTTGCGGCGAGCCTCGGACTTCTCTAGCGCCTCTTTGAGGC[G>C]TGTGAACTCCTCCTTCATGGAGGCCATCTCCTTCTCTCTTTCTGCACTCTTCAGCAGCGG-3'
Protein context (NP_000248.2, residues 848-868): EMASMKEEFT[Arg858Gly]LKEALEKSEA